The following is an entry in ClinVar:

ClinVar aggregate classification (germline): Uncertain significance (1 of 4 stars; one submission).

Conditions:
Long QT syndrome (LQTS). Identifiers: MedGen C0023976, MeSH D008133, MONDO:0002442. Disease mechanism: loss of function. Inheritance: Various modes of inheritance.

Submission:

Labcorp Genetics (formerly Invitae), Labcorp
Classification: Uncertain significance for Long QT syndrome. Last evaluated: 2025-04-11. Review status: criteria provided, single submitter. Criteria: Invitae Variant Classification Sherloc (09022015). Collection method: clinical testing. Allele origin: germline.
Comment: This sequence change replaces glycine, which is neutral and non-polar, with alanine, which is neutral and non-polar, at codon 514 of the KCNH2 protein (p.Gly514Ala). This variant is not present in population databases (gnomAD no frequency). This variant has not been reported in the literature in individuals affected with KCNH2-related conditions. An algorithm developed to predict the effect of missense changes on protein structure and function (PolyPhen-2) suggests that this variant is likely to be disruptive. In summary, the available evidence is currently insufficient to determine the role of this variant in disease. Therefore, it has been classified as a Variant of Uncertain Significance.

NM_000238.4(KCNH2):c.1541G>C (p.Gly514Ala)

Gene: KCNH2 (potassium voltage-gated channel subfamily H member 2; minus strand). Cytogenetic location: 7q36.1.
Variant type: single nucleotide variant.
Coding change: c.1541G>C on transcript NM_000238.4 (MANE Select); coding-DNA position 1541, G replaced by C.
Protein change: p.Gly514Ala; replaces glycine 514 with alanine.
Molecular consequence: missense variant. On other transcripts: non-coding transcript variant (2).
Genome position (GRCh38, 1-based): chr7:150,952,441, C>G on the plus strand (G>C on the coding strand, the complement: KCNH2 is on the minus strand). VCF-style: chr7-150952441-C-G. GRCh37 (hg19) VCF-style: chr7-150649529-C-G.
Other names: c.521G>C, p.Gly174Ala (NM_001204798.2, NM_172057.3); c.1253G>C, p.Gly418Ala (NM_001406753.1, NM_001406756.1); c.1364G>C, p.Gly455Ala (NM_001406755.1); c.1241G>C, p.Gly414Ala (NM_001406757.1); c.1541G>C, p.Gly514Ala (NM_172056.3); short protein forms G174A, G418A, G514A, G455A, G414A.
Identifiers: ClinVar variation 4697438 (VCV004697438.1).
Genomic context (GRCh38, chr7:150,952,441, plus strand): 5'-GGCCTCTCCTCTCCCTACACCACCTGCCTCCTTGCTGACCCCACCTCCTCAGAGCCAGAG[C>G]CGAAGATGAGCAGGTCGAAGGGGATGGCGGCCACCATGTCGATGAGGAACCAGCCCTTGA-3'
Protein context (NP_000229.1, residues 504-524): AAIPFDLLIF[Gly514Ala]SGSEELIGLL